The following is an entry in ClinVar:

NM_025132.4(WDR19):c.1816T>C (p.Phe606Leu)

Gene: WDR19 (WD repeat domain 19; plus strand). Cytogenetic location: 4p14.
Variant type: single nucleotide variant.
Coding change: c.1816T>C on transcript NM_025132.4 (MANE Select); coding-DNA position 1816, T replaced by C.
Protein change: p.Phe606Leu; replaces phenylalanine 606 with leucine.
Molecular consequence: missense variant.
Genome position (GRCh38, 1-based): chr4:39,228,524, T>C. VCF-style: chr4-39228524-T-C. GRCh37 (hg19) VCF-style: chr4-39230144-T-C.
Other names: c.1336T>C, p.Phe446Leu (NM_001317924.2); short protein forms F446L, F606L.
Identifiers: ClinVar variation 1499259 (VCV001499259.8), dbSNP rs2109358423, ClinGen allele CA356632978.

ClinVar aggregate classification (germline): Uncertain significance (1 of 4 stars; one submission).

Conditions:
Asphyxiating thoracic dystrophy 5 (SRTD5). Also called: SHORT-RIB THORACIC DYSPLASIA 5 WITHOUT POLYDACTYLY; SHORT-RIB THORACIC DYSPLASIA 5 WITH OR WITHOUT POLYDACTYLY. Identifiers: Orphanet 474, MedGen C3280598, MONDO:0013717, OMIM 614376.
Senior-Loken syndrome 8 (SLSN8). Identifiers: Orphanet 3156, MedGen C4225376, MONDO:0014579, OMIM 616307.

Allele frequency attached by ClinVar (database versions not stated): gnomAD exomes below 0.00001.
gnomAD v4.1: 1 of 1,613,892 alleles (0.000062%); highest among the groups gnomAD compares: Non-Finnish European, 0.000085%; no homozygotes.

Submission:

Labcorp Genetics (formerly Invitae), Labcorp
Classification: Uncertain significance for Senior-Loken syndrome 8; Asphyxiating thoracic dystrophy 5. Last evaluated: 2024-04-25. Review status: criteria provided, single submitter. Criteria: Invitae Variant Classification Sherloc (09022015). Collection method: clinical testing. Allele origin: germline.
Comment: This sequence change replaces phenylalanine, which is neutral and non-polar, with leucine, which is neutral and non-polar, at codon 606 of the WDR19 protein (p.Phe606Leu). This variant is not present in population databases (gnomAD no frequency). This variant has not been reported in the literature in individuals affected with WDR19-related conditions. ClinVar contains an entry for this variant (Variation ID: 1499259). Advanced modeling of protein sequence and biophysical properties (such as structural, functional, and spatial information, amino acid conservation, physicochemical variation, residue mobility, and thermodynamic stability) performed at Invitae indicates that this missense variant is not expected to disrupt WDR19 protein function with a negative predictive value of 80%. In summary, the available evidence is currently insufficient to determine the role of this variant in disease. Therefore, it has been classified as a Variant of Uncertain Significance.